The following is an entry in ClinVar:

ClinVar aggregate classification (germline): Uncertain significance. Review status: criteria provided, multiple submitters, no conflicts (2 of 4 stars). 5 submissions from 4 submitters: Uncertain significance (5). Last evaluated 2025-07-13.

Conditions:
Inborn genetic diseases. Identifiers: MedGen C0950123, MeSH D030342.
Ectopia lentis 2, isolated, autosomal recessive (ECTOL2). Identifiers: Orphanet 1885, MedGen C3541474, MONDO:0009152, OMIM 225100.
Ectopia lentis et pupillae. Also called: ECTOPIA LENTIS WITH ECTOPIA OF PUPIL. Identifiers: Orphanet 1885, MedGen C1644196, MONDO:0009153, OMIM 225200.

Allele frequency attached by ClinVar (database versions not stated): gnomAD exomes below 0.00001; gnomAD 0.00001 and 0.00002; TOPMed 0.00001.

Submissions (5):

Ambry Genetics
Classification: Uncertain significance for Inborn genetic diseases. Last evaluated: 2025-07-13. Review status: criteria provided, single submitter. Criteria: Ambry Variant Classification Scheme 2023. Collection method: clinical testing. Allele origin: germline.

Genome-Nilou Lab
Classification: Uncertain significance for Ectopia lentis et pupillae. Last evaluated: 2023-04-11. Review status: criteria provided, single submitter. Criteria: ACMG Guidelines, 2015. Collection method: clinical testing. Allele origin: germline. Affected: no.

Genome-Nilou Lab
Classification: Uncertain significance for Ectopia lentis 2, isolated, autosomal recessive. Last evaluated: 2023-04-11. Review status: criteria provided, single submitter. Criteria: ACMG Guidelines, 2015. Collection method: clinical testing. Allele origin: germline. Affected: no.

GeneDx
Classification: Uncertain significance. Last evaluated: 2022-05-04. Review status: criteria provided, single submitter. Criteria: GeneDx Variant Classification Process June 2021. Collection method: clinical testing. Allele origin: germline. Affected: yes.
Comment: Not observed at significant frequency in large population cohorts (gnomAD); In silico analysis supports that this missense variant does not alter protein structure/function; Has not been previously published as pathogenic or benign to our knowledge

Labcorp Genetics (formerly Invitae), Labcorp
Classification: Uncertain significance. Last evaluated: 2021-10-02. Review status: criteria provided, single submitter. Criteria: Invitae Variant Classification Sherloc (09022015). Collection method: clinical testing. Allele origin: germline.
Comment: This sequence change replaces glycine with serine at codon 920 of the ADAMTSL4 protein (p.Gly920Ser). The glycine residue is weakly conserved and there is a small physicochemical difference between glycine and serine. This variant is not present in population databases (ExAC no frequency). This variant has not been reported in the literature in individuals affected with ADAMTSL4-related conditions. Algorithms developed to predict the effect of missense changes on protein structure and function output the following: SIFT: "Tolerated"; PolyPhen-2: "Benign"; Align-GVGD: "Class C0". The serine amino acid residue is found in multiple mammalian species, which suggests that this missense change does not adversely affect protein function. In summary, the available evidence is currently insufficient to determine the role of this variant in disease. Therefore, it has been classified as a Variant of Uncertain Significance.

NM_019032.6(ADAMTSL4):c.2758G>A (p.Gly920Ser)

Gene: ADAMTSL4 (ADAMTS like 4; plus strand). Cytogenetic location: 1q21.2.
Variant type: single nucleotide variant.
Coding change: c.2758G>A on transcript NM_019032.6 (MANE Select); coding-DNA position 2758, G replaced by A.
Protein change: p.Gly920Ser; replaces glycine 920 with serine.
Molecular consequence: missense variant.
Genome position (GRCh38, 1-based): chr1:150,559,160, G>A. VCF-style: chr1-150559160-G-A. GRCh37 (hg19) VCF-style: chr1-150531636-G-A.
Other names: c.2758G>A (NM_019032.4); c.2641G>A, p.Gly881Ser (NM_001288607.2); c.2827G>A, p.Gly943Ser (NM_001288608.2); c.2758G>A, p.Gly920Ser (NM_001378596.1); short protein forms G920S, G943S, G881S.
Identifiers: ClinVar variation 1404575 (VCV001404575.6), dbSNP rs1003230172, ClinGen allele CA30073258.